The following is an entry in ClinVar:

ClinVar aggregate classification (germline): Uncertain significance (1 of 4 stars; one submission).

gnomAD v4.1: 7 of 1,614,222 alleles (0.00043%); highest among the groups gnomAD compares: African/African-American, 0.004%; no homozygotes.

Submission:

GeneDx
Classification: Uncertain significance. Last evaluated: 2024-07-25. Review status: criteria provided, single submitter. Criteria: GeneDx Variant Classification Process June 2021. Collection method: clinical testing. Allele origin: germline. Affected: yes.
Comment: In silico analysis indicates that this missense variant does not alter protein structure/function; Has not been previously published as pathogenic or benign to our knowledge

NM_015378.4(VPS13D):c.10670C>T (p.Thr3557Ile)

Gene: VPS13D (vacuolar protein sorting 13 homolog D; plus strand). Cytogenetic location: 1p36.22.
Variant type: single nucleotide variant.
Coding change: c.10670C>T on transcript NM_015378.4 (MANE Select); coding-DNA position 10670, C replaced by T.
Protein change: p.Thr3557Ile; replaces threonine 3557 with isoleucine.
Molecular consequence: missense variant.
Genome position (GRCh38, 1-based): chr1:12,369,564, C>T. VCF-style: chr1-12369564-C-T. GRCh37 (hg19) VCF-style: chr1-12429619-C-T.
Other names: c.10595C>T, p.Thr3532Ile (NM_018156.4); short protein forms T3532I, T3557I.
Identifiers: ClinVar variation 3600656 (VCV003600656.1).
Genomic context (GRCh38, chr1:12,369,564, plus strand): 5'-CCAGGCTCCGGACTGAAGTGAAGCCCATGACTTCATTGGATTATGCCTGGGACGAACCCA[C>T]CTTGCCACCTTTTATCACTCTGACTGTTAAAGGGGCAGGGTCCTCTGAGATCAACTGCAA-3'
Protein context (NP_056193.2, residues 3547-3567): TSLDYAWDEP[Thr3557Ile]LPPFITLTVK